The following is an entry in ClinVar:

ClinVar aggregate classification (germline): Uncertain significance (1 of 4 stars; one submission).

Conditions:
Spastic paraplegia. Identifiers: MedGen C0037772, HP:0001258.

Allele frequency attached by ClinVar (database versions not stated): gnomAD 0.00001; TOPMed 0.00001; gnomAD exomes below 0.00001; ExAC 0.00001.
gnomAD v4.1: 7 of 1,611,314 alleles (0.00043%); highest among the groups gnomAD compares: African/African-American, 0.0027%; no homozygotes.

Submission:

Labcorp Genetics (formerly Invitae), Labcorp
Classification: Uncertain significance for Spastic paraplegia. Last evaluated: 2020-07-02. Review status: criteria provided, single submitter. Criteria: Invitae Variant Classification Sherloc (09022015). Collection method: clinical testing. Allele origin: germline.
Comment: In summary, the available evidence is currently insufficient to determine the role of this variant in disease. Therefore, it has been classified as a Variant of Uncertain Significance. Algorithms developed to predict the effect of missense changes on protein structure and function output the following: SIFT: "Tolerated"; PolyPhen-2: "Benign"; Align-GVGD: "Class C0". The valine amino acid residue is found in multiple mammalian species, suggesting that this missense change does not adversely affect protein function. These predictions have not been confirmed by published functional studies and their clinical significance is uncertain. This variant has not been reported in the literature in individuals with RTN2-related conditions. This variant is present in population databases (rs762624721, ExAC 0.01%). This sequence change replaces isoleucine with valine at codon 292 of the RTN2 protein (p.Ile292Val). The isoleucine residue is weakly conserved and there is a small physicochemical difference between isoleucine and valine.

NM_005619.5(RTN2):c.874A>G (p.Ile292Val)

Genes: OPA3-RTN2 (OPA3-RTN2 readthrough; minus strand), RTN2 (reticulon 2; minus strand). Cytogenetic location: 19q13.32.
Variant type: single nucleotide variant.
Coding change: c.874A>G on transcript NM_005619.5 (MANE Select); coding-DNA position 874, A replaced by G.
Protein change: p.Ile292Val; replaces isoleucine 292 with valine.
Molecular consequence: missense variant. On other transcripts: intron variant (1).
Genome position (GRCh38, 1-based): chr19:45,493,319, T>C on the plus strand (A>G on the coding strand, the complement: RTN2 is on the minus strand). VCF-style: chr19-45493319-T-C. GRCh37 (hg19) VCF-style: chr19-45996577-T-C.
Other names: c.814+847A>G (NM_206900.3); short protein forms I292V.
Identifiers: ClinVar variation 1042735 (VCV001042735.8), dbSNP rs762624721, ClinGen allele CA9516143.